The following is an entry in ClinVar:

NM_001854.4(COL11A1):c.5240A>G (p.Asn1747Ser)

Genes: COL11A1 (collagen type XI alpha 1 chain; minus strand), LOC126805814 (P300/CBP strongly-dependent group 1 enhancer GRCh37_chr1:103344928-103346127; plus strand). Cytogenetic location: 1p21.1.
Variant type: single nucleotide variant.
Coding change: c.5240A>G on transcript NM_001854.4 (MANE Select); coding-DNA position 5240, A replaced by G.
Protein change: p.Asn1747Ser; replaces asparagine 1747 with serine.
Molecular consequence: missense variant. On other transcripts: non-coding transcript variant (1).
Genome position (GRCh38, 1-based): chr1:102,879,717, T>C on the plus strand (A>G on the coding strand, the complement: COL11A1 is on the minus strand). VCF-style: chr1-102879717-T-C. GRCh37 (hg19) VCF-style: chr1-103345273-T-C.
Other names: c.5123A>G, p.Asn1708Ser (NM_001190709.2); c.5276A>G, p.Asn1759Ser (NM_080629.3); c.4892A>G, p.Asn1631Ser (NM_080630.4); short protein forms N1708S, N1631S, N1747S, N1759S.
Identifiers: ClinVar variation 3730534 (VCV003730534.2).
Genomic context (GRCh38, chr1:102,879,717, plus strand): 5'-GGGAGACAAGCAGAACTTATACTCACCGCACAACCATCATACAGTGTTTTGATAAAAGGA[T>C]TATTGTCATAGGACATCTCCTCATCATTTGATCCCAGGAAGCGAAGTGCTTTGTCATAAC-3'
Protein context (NP_001845.3, residues 1737-1757): SNDEEMSYDN[Asn1747Ser]PFIKTLYDGC

ClinVar aggregate classification (germline): Uncertain significance (1 of 4 stars; one submission).

Submission:

Labcorp Genetics (formerly Invitae), Labcorp
Classification: Uncertain significance. Last evaluated: 2024-11-18. Review status: criteria provided, single submitter. Criteria: Invitae Variant Classification Sherloc (09022015). Collection method: clinical testing. Allele origin: germline.
Comment: This sequence change replaces asparagine, which is neutral and polar, with serine, which is neutral and polar, at codon 1747 of the COL11A1 protein (p.Asn1747Ser). This variant is not present in population databases (gnomAD no frequency). This variant has not been reported in the literature in individuals affected with COL11A1-related conditions. Invitae Evidence Modeling of protein sequence and biophysical properties (such as structural, functional, and spatial information, amino acid conservation, physicochemical variation, residue mobility, and thermodynamic stability) indicates that this missense variant is not expected to disrupt COL11A1 protein function with a negative predictive value of 80%. In summary, the available evidence is currently insufficient to determine the role of this variant in disease. Therefore, it has been classified as a Variant of Uncertain Significance.